The following is an entry in ClinVar:

ClinVar aggregate classification (germline): Uncertain significance. Review status: criteria provided, multiple submitters, no conflicts (2 of 4 stars). 2 submissions from 2 submitters: Uncertain significance (2). Last evaluated 2025-08-02.

Conditions:
Inborn genetic diseases. Identifiers: MedGen C0950123, MeSH D030342.

Allele frequency attached by ClinVar (database versions not stated): gnomAD 0.00003; ESP Exome Variant Server 0.00008.

Submissions (2):

Ambry Genetics
Classification: Uncertain significance for Inborn genetic diseases. Last evaluated: 2025-08-02. Review status: criteria provided, single submitter. Criteria: Ambry Variant Classification Scheme 2023. Collection method: clinical testing. Allele origin: germline.

Labcorp Genetics (formerly Invitae), Labcorp
Classification: Uncertain significance. Last evaluated: 2022-08-23. Review status: criteria provided, single submitter. Criteria: Invitae Variant Classification Sherloc (09022015). Collection method: clinical testing. Allele origin: germline.
Comment: In summary, the available evidence is currently insufficient to determine the role of this variant in disease. Therefore, it has been classified as a Variant of Uncertain Significance. The frequency data for this variant in the population databases is considered unreliable, as metrics indicate poor data quality at this position in the gnomAD database. This sequence change replaces threonine, which is neutral and polar, with methionine, which is neutral and non-polar, at codon 582 of the DVL1 protein (p.Thr582Met). Algorithms developed to predict the effect of missense changes on protein structure and function are either unavailable or do not agree on the potential impact of this missense change (SIFT: "Deleterious"; PolyPhen-2: "Not Available"; Align-GVGD: "Class C0"). This variant has not been reported in the literature in individuals affected with DVL1-related conditions.

NM_001330311.2(DVL1):c.1820C>T (p.Thr607Met)

Gene: DVL1 (dishevelled segment polarity protein 1; minus strand). Cytogenetic location: 1p36.33.
Variant type: single nucleotide variant.
Coding change: c.1820C>T on transcript NM_001330311.2 (MANE Select); coding-DNA position 1820, C replaced by T.
Protein change: p.Thr607Met; replaces threonine 607 with methionine.
Molecular consequence: missense variant.
Genome position (GRCh38, 1-based): chr1:1,336,410, G>A on the plus strand (C>T on the coding strand, the complement: DVL1 is on the minus strand). VCF-style: chr1-1336410-G-A. GRCh37 (hg19) VCF-style: chr1-1271790-G-A.
Other names: c.1745C>T, p.Thr582Met (NM_004421.3); c.1745C>T (NM_004421.2); short protein forms T582M, T607M.
Identifiers: ClinVar variation 1942568 (VCV001942568.6), dbSNP rs142013934, ClinGen allele CA16750363.
Genomic context (GRCh38, chr1:1,336,410, plus strand): 5'-CCACGGCTGAGCTGGCCGGCCGGACGCTCTCGCCAGCTGCTCCCCACCCCACTCGGTGCC[G>A]TGTGATCCGATTCACTGCCACTGCCCCCAGCTCCCGCCGCCCGACGCTCCTTCTCACGGC-3'
Protein context (NP_001317240.1, residues 597-617): AGGSGSESDH[Thr607Met]APSGVGSSWR